The following is an entry in ClinVar:

ClinVar aggregate classification (germline): Uncertain significance. Review status: criteria provided, multiple submitters, no conflicts (2 of 4 stars). 2 submissions from 2 submitters: Uncertain significance (2). Last evaluated 2022-09-01.

Conditions:
Congenital disorder of glycosylation, type Ii. Also called: CDG Ii; ALG2-CDG; ALG2-congenital disorder of glycosylation. Identifiers: Orphanet 79326, MedGen C1842836, MONDO:0011933, OMIM 607906.
Congenital myasthenic syndrome 14. Also called: Myasthenic syndrome, congenital, 14, with tubular aggregates. Identifiers: Orphanet 353327, Orphanet 590, MedGen C4015597, MONDO:0014543, OMIM 616228.
Inborn genetic diseases. Identifiers: MedGen C0950123, MeSH D030342.

Allele frequency attached by ClinVar (database versions not stated): gnomAD exomes 0.00006 and 0.00007; gnomAD 0.00006 and 0.00007; ExAC 0.00006; TOPMed 0.00008; ESP Exome Variant Server 0.00008; 1000 Genomes Project 30x 0.00016.

Submissions (2):

Labcorp Genetics (formerly Invitae), Labcorp
Classification: Uncertain significance for Congenital disorder of glycosylation, type Ii; Congenital myasthenic syndrome 14. Last evaluated: 2022-09-01. Review status: criteria provided, single submitter. Criteria: Invitae Variant Classification Sherloc (09022015). Collection method: clinical testing. Allele origin: germline.
Comment: This sequence change replaces aspartic acid, which is acidic and polar, with glycine, which is neutral and non-polar, at codon 148 of the ALG2 protein (p.Asp148Gly). This variant is present in population databases (rs369670496, gnomAD 0.01%). This variant has not been reported in the literature in individuals affected with ALG2-related conditions. ClinVar contains an entry for this variant (Variation ID: 464896). Algorithms developed to predict the effect of missense changes on protein structure and function (SIFT, PolyPhen-2, Align-GVGD) all suggest that this variant is likely to be tolerated. Algorithms developed to predict the effect of sequence changes on RNA splicing suggest that this variant may create or strengthen a splice site. In summary, the available evidence is currently insufficient to determine the role of this variant in disease. Therefore, it has been classified as a Variant of Uncertain Significance.

Ambry Genetics
Classification: Uncertain significance for Inborn genetic diseases. Last evaluated: 2021-02-24. Review status: criteria provided, single submitter. Criteria: Ambry Variant Classification Scheme 2023. Collection method: clinical testing. Allele origin: germline.

NM_033087.4(ALG2):c.443A>G (p.Asp148Gly)

Gene: ALG2 (ALG2 alpha-1,3/1,6-mannosyltransferase; minus strand). Cytogenetic location: 9q22.33.
Variant type: single nucleotide variant.
Coding change: c.443A>G on transcript NM_033087.4 (MANE Select); coding-DNA position 443, A replaced by G.
Protein change: p.Asp148Gly; replaces aspartic acid 148 with glycine.
Molecular consequence: missense variant. On other transcripts: non-coding transcript variant (1).
Genome position (GRCh38, 1-based): chr9:99,218,742, T>C on the plus strand (A>G on the coding strand, the complement: ALG2 is on the minus strand). VCF-style: chr9-99218742-T-C. GRCh37 (hg19) VCF-style: chr9-101981024-T-C.
Other names: short protein forms D148G.
Identifiers: ClinVar variation 464896 (VCV000464896.8), dbSNP rs369670496, ClinGen allele CA5156322.